The following is an entry in ClinVar:

ClinVar aggregate classification (germline): Likely benign. Review status: criteria provided, single submitter (1 of 4 stars). 2 submissions from 2 submitters: Likely benign (1). 1 of the submissions does not count toward it. Last evaluated 2023-04-01.

Conditions:
NRP2-related disorder. Also called: NRP2-related condition.

Allele frequency attached by ClinVar (database versions not stated): TOPMed 0.00021; ExAC 0.00031.
gnomAD v4.1: 284 of 1,614,076 alleles (0.018%); highest among the groups gnomAD compares: South Asian, 0.15%; 1 homozygote.

Submissions (2):

CeGaT Center for Human Genetics Tuebingen
Classification: Likely benign. Last evaluated: 2023-04-01. Review status: criteria provided, single submitter. Criteria: CeGaT Center For Human Genetics Tuebingen Variant Classification Criteria Version 2. Collection method: clinical testing. Allele origin: germline. Affected: yes. Observed: 1 variant allele.
Comment: NRP2: BS1

PreventionGenetics, part of Exact Sciences
Classification: Likely benign for NRP2-related condition. Last evaluated: 2023-03-08. Review status: no assertion criteria provided. Collection method: clinical testing. Allele origin: germline. Not counted in ClinVar's aggregate classification.
Comment: This variant is classified as likely benign based on ACMG/AMP sequence variant interpretation guidelines (Richards et al. 2015 PMID: 25741868, with internal and published modifications).

NM_003872.3(NRP2):c.1450G>A (p.Gly484Ser)

Gene: NRP2 (neuropilin 2; plus strand). Cytogenetic location: 2q33.3.
Variant type: single nucleotide variant.
Coding change: c.1450G>A on transcript NM_003872.3 (MANE Select); coding-DNA position 1450, G replaced by A.
Protein change: p.Gly484Ser; replaces glycine 484 with serine.
Molecular consequence: missense variant.
Genome position (GRCh38, 1-based): chr2:205,743,361, G>A. VCF-style: chr2-205743361-G-A. GRCh37 (hg19) VCF-style: chr2-206608085-G-A.
Other names: c.1450G>A, p.Gly484Ser (NM_018534.4, NM_201264.2, NM_201266.2 and 2 more transcripts); c.1450G>A (NM_201266.1); short protein forms G484S.
Identifiers: ClinVar variation 2571114 (VCV002571114.28), dbSNP rs762753258, ClinGen allele CA2069106.
Genomic context (GRCh38, chr2:205,743,361, plus strand): 5'-GCAGCCCGCCTGGTTAGCAGCCGCTCGGGCTGGTTCCCTCGAATCCCTCAGGCCCAGCCC[G>A]GTGAGGAGTGGCTTCAGGTAGATCTGGGAACACCCAAGACAGTGAAAGGTGTCATCATCC-3'
Protein context (NP_003863.2, residues 474-494): WFPRIPQAQP[Gly484Ser]EEWLQVDLGT